The following is an entry in ClinVar:

ClinVar aggregate classification (germline): Uncertain significance (1 of 4 stars; one submission).

gnomAD v4.1: 2 of 1,613,618 alleles (0.00012%); highest among the groups gnomAD compares: South Asian, 0.0011%; no homozygotes.

Submission:

CeGaT Center for Human Genetics Tuebingen
Classification: Uncertain significance. Last evaluated: 2025-03-01. Review status: criteria provided, single submitter. Criteria: CeGaT Center For Human Genetics Tuebingen Variant Classification Criteria Version 2. Collection method: clinical testing. Allele origin: germline. Affected: yes. Observed: 1 variant allele.
Comment: SMARCA2: PP2, BP5

NM_003070.5(SMARCA2):c.4428C>A (p.His1476Gln)

Gene: SMARCA2 (SWI/SNF related BAF chromatin remodeling complex subunit ATPase 2; plus strand). Cytogenetic location: 9p24.3.
Variant type: single nucleotide variant.
Coding change: c.4428C>A on transcript NM_003070.5 (MANE Select); coding-DNA position 4428, C replaced by A.
Protein change: p.His1476Gln; replaces histidine 1476 with glutamine.
Molecular consequence: missense variant.
Genome position (GRCh38, 1-based): chr9:2,182,209, C>A. VCF-style: chr9-2182209-C-A. GRCh37 (hg19) VCF-style: chr9-2182209-C-A.
Other names: c.4428C>A, p.His1476Gln (NM_001289396.2); c.4200C>A, p.His1400Gln (NM_001289397.2); c.402C>A, p.His134Gln (NM_001289398.2); c.486C>A, p.His162Gln (NM_001289399.2); c.492C>A, p.His164Gln (NM_001289400.2); c.4374C>A, p.His1458Gln (NM_139045.4); short protein forms H134Q, H1400Q, H1458Q, H1476Q, H162Q, H164Q.
Identifiers: ClinVar variation 3778554 (VCV003778554.7).